The following is an entry in ClinVar:

NM_001242896.3(DEPDC5):c.3889G>T (p.Ala1297Ser)

Gene: DEPDC5 (DEP domain containing 5, GATOR1 subcomplex subunit; plus strand). Cytogenetic location: 22q12.3.
Variant type: single nucleotide variant.
Coding change: c.3889G>T on transcript NM_001242896.3 (MANE Select); coding-DNA position 3889, G replaced by T.
Protein change: p.Ala1297Ser; replaces alanine 1297 with serine.
Molecular consequence: missense variant. On other transcripts: non-coding transcript variant (5).
Genome position (GRCh38, 1-based): chr22:31,879,608, G>T. VCF-style: chr22-31879608-G-T. GRCh37 (hg19) VCF-style: chr22-32275594-G-T.
Other names: c.3862G>T, p.Ala1288Ser (NM_001136029.4); c.3589G>T, p.Ala1197Ser (NM_001242897.2); c.3823G>T, p.Ala1275Ser (NM_001363852.2, NM_001364320.2); c.3655G>T, p.Ala1219Ser (NM_001363854.2, NM_001364319.2); c.3889G>T, p.Ala1297Ser (NM_001364318.2); c.3805G>T, p.Ala1269Ser (NM_001369901.1, NM_001369902.1); c.3796G>T, p.Ala1266Ser (NM_001369903.1, NM_014662.6); short protein forms A1197S, A1269S, A1219S, A1288S, A1297S, A1266S, A1275S.
Identifiers: ClinVar variation 2700669 (VCV002700669.3), dbSNP rs1394168334, ClinGen allele CA411282142.

ClinVar aggregate classification (germline): Uncertain significance (1 of 4 stars; one submission).

Conditions:
Familial focal epilepsy with variable foci (FPEVF). Identifiers: Orphanet 98820, MedGen C1858477, MONDO:0020310.

Allele frequency attached by ClinVar (database versions not stated): gnomAD exomes below 0.00001; TOPMed below 0.00001.
gnomAD v4.1: 1 of 1,613,928 alleles (0.000062%); highest among the groups gnomAD compares: Non-Finnish European, 0.000085%; no homozygotes.

Submission:

Labcorp Genetics (formerly Invitae), Labcorp
Classification: Uncertain significance for Familial focal epilepsy with variable foci. Last evaluated: 2023-12-03. Review status: criteria provided, single submitter. Criteria: Invitae Variant Classification Sherloc (09022015). Collection method: clinical testing. Allele origin: germline.
Comment: This sequence change replaces alanine, which is neutral and non-polar, with serine, which is neutral and polar, at codon 1297 of the DEPDC5 protein (p.Ala1297Ser). This variant is not present in population databases (gnomAD no frequency). This variant has not been reported in the literature in individuals affected with DEPDC5-related conditions. Experimental studies and prediction algorithms are not available or were not evaluated, and the functional significance of this variant is currently unknown. In summary, the available evidence is currently insufficient to determine the role of this variant in disease. Therefore, it has been classified as a Variant of Uncertain Significance.